The following is an entry in ClinVar:

ClinVar aggregate classification (germline): Uncertain significance (1 of 4 stars; one submission).

gnomAD v4.1: 2 of 1,593,708 alleles (0.00013%); highest among the groups gnomAD compares: East Asian, 0.0023%; no homozygotes.

Submission:

Labcorp Genetics (formerly Invitae), Labcorp
Classification: Uncertain significance. Last evaluated: 2026-01-27. Review status: criteria provided, single submitter. Criteria: Invitae Variant Classification Sherloc (09022015). Collection method: clinical testing. Allele origin: germline.
Comment: This sequence change replaces isoleucine, which is neutral and non-polar, with threonine, which is neutral and polar, at codon 141 of the BCL11B protein (p.Ile141Thr). This variant is present in population databases (rs762219159, gnomAD 0.006%). This variant has not been reported in the literature in individuals affected with BCL11B-related conditions. Invitae Evidence Modeling of protein sequence and biophysical properties (such as structural, functional, and spatial information, amino acid conservation, physicochemical variation, residue mobility, and thermodynamic stability) indicates that this missense variant is not expected to disrupt BCL11B protein function with a negative predictive value of 95%. In summary, the available evidence is currently insufficient to determine the role of this variant in disease. Therefore, it has been classified as a Variant of Uncertain Significance.

NM_138576.4(BCL11B):c.422T>C (p.Ile141Thr)

Gene: BCL11B (BCL11 transcription factor B; minus strand). Cytogenetic location: 14q32.2.
Variant type: single nucleotide variant.
Coding change: c.422T>C on transcript NM_138576.4 (MANE Select); coding-DNA position 422, T replaced by C.
Protein change: p.Ile141Thr; replaces isoleucine 141 with threonine.
Molecular consequence: missense variant.
Genome position (GRCh38, 1-based): chr14:99,257,476, A>G on the plus strand (T>C on the coding strand, the complement: BCL11B is on the minus strand). VCF-style: chr14-99257476-A-G. GRCh37 (hg19) VCF-style: chr14-99723813-A-G.
Other names: c.419T>C, p.Ile140Thr (NM_001282237.2, NM_001282238.2); c.422T>C, p.Ile141Thr (NM_022898.3); short protein forms I141T, I140T.
Identifiers: ClinVar variation 4779186 (VCV004779186.1).
Genomic context (GRCh38, chr14:99,257,476, plus strand): 5'-CATGGGACCCAGGAGGTGGCTTCCACAGCAACCAGGCAAGCGCAGCATCCCATACCTGCA[A>G]TGTTCTCCTGCTTGGGACAGATGCCTTTCGTGGGTGAGAGCAGGTGGTCATCTTCGTCGG-3'
Protein context (NP_612808.1, residues 131-151): TKGICPKQEN[Ile141Thr]AGPCRPAQLP